The following is an entry in ClinVar:

ClinVar aggregate classification (germline): Pathogenic (1 of 4 stars; one submission).

Submission:

Labcorp Genetics (formerly Invitae), Labcorp
Classification: Pathogenic. Last evaluated: 2023-05-20. Review status: criteria provided, single submitter. Criteria: Invitae Variant Classification Sherloc (09022015). Collection method: clinical testing. Allele origin: germline.
Comment: This sequence change creates a premature translational stop signal (p.Ala168Valfs*6) in the HSD3B2 gene. While this is not anticipated to result in nonsense mediated decay, it is expected to disrupt the last 205 amino acid(s) of the HSD3B2 protein. This variant is not present in population databases (gnomAD no frequency). This premature translational stop signal has been observed in individual(s) with congenital adrenal hyperplasia (PMID: 27626911). In at least one individual the data is consistent with being in trans (on the opposite chromosome) from a pathogenic variant. This variant disrupts the C-terminus of the HSD3B2 protein, which has been demonstrated to be critical for enzymatic activity (PMID: 1825279). While functional studies have not been performed to directly test the effect of this variant on HSD3B2 protein function, this suggests that disruption of this region of the protein is causative of disease. For these reasons, this variant has been classified as Pathogenic.

Literature cited by the submitters: PubMed 27626911; PubMed 1825279.

NM_000198.4(HSD3B2):c.503del (p.Ala168fs)

Gene: HSD3B2 (hydroxy-delta-5-steroid dehydrogenase, 3 beta- and steroid delta-isomerase 2; plus strand). Cytogenetic location: 1p12.
Variant type: Deletion.
Coding change: c.503del on transcript NM_000198.4 (MANE Select); coding-DNA position 503, one base deleted (C; older notation c.503delC).
Protein change: p.Ala168fs; shifts the reading frame from alanine 168.
Molecular consequence: frameshift variant.
Genome position (GRCh38, 1-based): chr1:119,422,004, C deleted. VCF-style (leftmost placement, unchanged base first): chr1-119422003-GC-G. GRCh37 (hg19) VCF-style: chr1-119964626-GC-G.
Other names: c.503del, p.Ala168fs (NM_001166120.2); short protein forms A168fs.
Identifiers: ClinVar variation 2733970 (VCV002733970.4), dbSNP rs2101349412, ClinGen allele CA2573051349.